The following is an entry in ClinVar:

ClinVar aggregate classification (germline): Likely pathogenic (0 of 4 stars; one submission).

Conditions:
Marfan syndrome (MFS). Also called: MARFAN SYNDROME, TYPE I; Marfan syndrome type 1; Marfan's syndrome; FBN1-Related Marfan Syndrome; Marfan syndrome, classic. Identifiers: Orphanet 284963, Orphanet 558, MedGen C0024796, MONDO:0007947, OMIM 154700.

Submission:

Department of Laboratory Medicine and Genetics, Samsung Medical Center
Classification: Likely pathogenic for Marfan syndrome. Last evaluated: 2025-01-02. Review status: no assertion criteria provided. Collection method: clinical testing. Allele origin: germline. Affected: yes.
Comment: The NM_000138.5:c.1148-13T>A is considered to be rare in the general population database (gnomAD v2.1.1). This variant is predicted to be deleterious by in-silico analysis (SpliceAI). According to the ClinGen guidance for PP1/BS4 and PP4 criteria (PMID: 38103548), PP4 with weighted strength was applied. In summary, this variant was classified as a likely pathogenic variant for Marfan syndrome (PP3, PP4 with weighted strength, PM2_P).

Literature cited by the submitters: PubMed 37558401.

NM_000138.5(FBN1):c.1148-13T>A

Gene: FBN1 (fibrillin 1; minus strand). Cytogenetic location: 15q21.1.
Variant type: single nucleotide variant.
Coding change: c.1148-13T>A on transcript NM_000138.5 (MANE Select); 13 bases into the intron before coding-DNA position 1148, T replaced by A.
Molecular consequence: intron variant.
Genome position (GRCh38, 1-based): chr15:48,516,375, A>T on the plus strand (T>A on the coding strand, the complement: FBN1 is on the minus strand). VCF-style: chr15-48516375-A-T. GRCh37 (hg19) VCF-style: chr15-48808572-A-T.
Other names: c.1148-13T>A (NM_001406716.1).
Identifiers: ClinVar variation 3600264 (VCV003600264.1).